The following is an entry in ClinVar:

ClinVar aggregate classification (germline): Uncertain significance. Review status: criteria provided, multiple submitters, no conflicts (2 of 4 stars). 2 submissions from 2 submitters: Uncertain significance (2). Last evaluated 2024-09-09.

Conditions:
Hereditary spastic paraplegia 73. Also called: Spastic paraplegia 73, autosomal dominant. Identifiers: Orphanet 444099, MedGen C5568981, MONDO:0014568, OMIM 616282.

Allele frequency attached by ClinVar (database versions not stated): gnomAD exomes below 0.00001; gnomAD 0.00001; TOPMed 0.00002; ESP Exome Variant Server 0.00008.
gnomAD v4.1: 4 of 1,539,468 alleles (0.00026%); highest among the groups gnomAD compares: Non-Finnish European, 0.00035%; no homozygotes.

Submissions (2):

Ambry Genetics
Classification: Uncertain significance. Last evaluated: 2024-09-09. Review status: criteria provided, single submitter. Criteria: Ambry Variant Classification Scheme 2023. Collection method: clinical testing. Allele origin: germline.

Labcorp Genetics (formerly Invitae), Labcorp
Classification: Uncertain significance for Hereditary spastic paraplegia 73. Last evaluated: 2023-02-20. Review status: criteria provided, single submitter. Criteria: Invitae Variant Classification Sherloc (09022015). Collection method: clinical testing. Allele origin: germline.
Comment: In summary, the available evidence is currently insufficient to determine the role of this variant in disease. Therefore, it has been classified as a Variant of Uncertain Significance. Advanced modeling of protein sequence and biophysical properties (such as structural, functional, and spatial information, amino acid conservation, physicochemical variation, residue mobility, and thermodynamic stability) performed at Invitae indicates that this missense variant is not expected to disrupt CPT1C protein function. This variant has not been reported in the literature in individuals affected with CPT1C-related conditions. This variant is not present in population databases (gnomAD no frequency). This sequence change replaces alanine, which is neutral and non-polar, with valine, which is neutral and non-polar, at codon 390 of the CPT1C protein (p.Ala390Val).

NM_001199753.2(CPT1C):c.1202C>T (p.Ala401Val)

Gene: CPT1C (carnitine palmitoyltransferase 1C; plus strand). Cytogenetic location: 19q13.33.
Variant type: single nucleotide variant.
Coding change: c.1202C>T on transcript NM_001199753.2 (MANE Select); coding-DNA position 1202, C replaced by T.
Protein change: p.Ala401Val; replaces alanine 401 with valine.
Molecular consequence: missense variant. On other transcripts: non-coding transcript variant (1).
Genome position (GRCh38, 1-based): chr19:49,706,272, C>T. VCF-style: chr19-49706272-C-T. GRCh37 (hg19) VCF-style: chr19-50209529-C-T.
Other names: c.1202C>T (NM_001199752.1); c.1268C>T, p.Ala423Val (NM_001378482.1); c.1202C>T, p.Ala401Val (NM_001378483.1, NM_001378484.1, NM_001378486.1 and 3 more transcripts); c.1169C>T, p.Ala390Val (NM_001378485.1, NM_001378487.1, NM_001136052.3); short protein forms A401V, A390V, A423V.
Identifiers: ClinVar variation 2716923 (VCV002716923.4), dbSNP rs376287276, ClinGen allele CA309513351.